The following is an entry in ClinVar:

NM_005359.6(SMAD4):c.692dup (p.Ser232fs)

Gene: SMAD4 (SMAD family member 4; plus strand). Cytogenetic location: 18q21.2.
Variant type: Duplication.
Coding change: c.692dup on transcript NM_005359.6 (MANE Select); coding-DNA position 692, one base duplicated (G; older notation c.692dupG).
Protein change: p.Ser232fs; shifts the reading frame from serine 232.
Molecular consequence: frameshift variant.
Genome position (GRCh38, 1-based): chr18:51,058,149, G duplicated; the last of 6 consecutive G bases (chr18:51,058,144-51,058,149); duplicating any one gives the same sequence. VCF-style (leftmost placement, unchanged base first): chr18-51058143-T-TG. GRCh37 (hg19) VCF-style: chr18-48584513-T-TG.
Other names: c.692dupG (NM_005359.5); short protein forms S232fs.
Identifiers: ClinVar variation 24811 (VCV000024811.23), dbSNP rs377767334, ClinGen allele CA259187.

ClinVar aggregate classification (germline): Pathogenic. Review status: criteria provided, multiple submitters, no conflicts (2 of 4 stars). 8 submissions from 6 submitters: Pathogenic (5). 3 of the submissions do not count toward it. Last evaluated 2025-07-02.

Conditions:
Hereditary cancer-predisposing syndrome. Also called: Hereditary neoplastic syndrome; Neoplastic Syndromes, Hereditary; Tumor predisposition; Hereditary Cancer Syndrome. Identifiers: Orphanet 140162, MedGen C0027672, MeSH D009386, MONDO:0015356.
Familial thoracic aortic aneurysm and aortic dissection (TAAD). Also called: Thoracic aortic aneurysms and dissections. Identifiers: Orphanet 91387, MedGen C4707243, MONDO:0019625.
Juvenile polyposis syndrome (JPS). Identifiers: Orphanet 2929, MedGen C0345893, MONDO:0017380, OMIM 174900.
Juvenile polyposis of stomach. Identifiers: MedGen C1832940.
Juvenile polyposis/hereditary hemorrhagic telangiectasia syndrome (JPHT). Also called: JP/HHT SYNDROME; JUVENILE POLYPOSIS WITH HEREDITARY HEMORRHAGIC TELANGIECTASIA; POLYPOSIS, GENERALIZED JUVENILE, WITH PULMONARY ARTERIOVENOUS MALFORMATION; TELANGIECTASIA, HEREDITARY HEMORRHAGIC, WITH JUVENILE POLYPOSIS COLI; Juvenile Polyposis Syndrome / Hereditary Hemorrhagic Telangiectasia (JPS/HHT). Identifiers: Orphanet 2929, MedGen C1832942, MONDO:0008278, OMIM 175050.

Submissions (8):

Ambry Genetics
Classification: Pathogenic for Hereditary cancer-predisposing syndrome; Familial thoracic aortic aneurysm and aortic dissection. Last evaluated: 2025-07-02. Review status: criteria provided, single submitter. Criteria: Ambry Variant Classification Scheme 2023. Collection method: clinical testing. Allele origin: germline.
Comment: The c.692dupG pathogenic mutation, located in coding exon 5 of the SMAD4 gene, results from a duplication of G at nucleotide position 692, causing a translational frameshift with a predicted alternate stop codon (p.S232Qfs*3). This alteration has been previously identified in an individual with juvenile polyposis syndrome (JPS) and an individual with combined juvenile polyposis syndrome-hereditary hemorrhagic telangiectasia (JPS-HHT) (Howe JR et al. Science, 1998 May;280:1086-8; Gallione C et al. Am J Med Genet A, 2010 Feb;152A:333-9). This variant is considered to be rare based on population cohorts in the Genome Aggregation Database (gnomAD). In addition to the clinical data presented in the literature, this alteration is expected to result in loss of function by premature protein truncation or nonsense-mediated mRNA decay. As such, this alteration is interpreted as a disease-causing mutation.

Labcorp Genetics (formerly Invitae), Labcorp
Classification: Pathogenic for Juvenile polyposis syndrome. Last evaluated: 2024-09-08. Review status: criteria provided, single submitter. Criteria: Invitae Variant Classification Sherloc (09022015). Collection method: clinical testing. Allele origin: germline.
Comment: This sequence change creates a premature translational stop signal (p.Ser232Glnfs*3) in the SMAD4 gene. It is expected to result in an absent or disrupted protein product. Loss-of-function variants in SMAD4 are known to be pathogenic (PMID: 16152648, 16436638, 22810475). This variant is not present in population databases (gnomAD no frequency). This premature translational stop signal has been observed in individual(s) with clinical features of juvenile polyposis syndrome (PMID: 9582123, 20101697, 26572829). This variant is also known as 1-bp insertion, frameshift stop at codon 235. ClinVar contains an entry for this variant (Variation ID: 24811). For these reasons, this variant has been classified as Pathogenic.

Myriad Genetics, Inc.
Classification: Pathogenic for Juvenile polyposis/hereditary hemorrhagic telangiectasia syndrome. Last evaluated: 2024-02-09. Review status: criteria provided, single submitter. Criteria: Myriad Autosomal Dominant, Autosomal Recessive and X-Linked Classification Criteria (2023). Collection method: clinical testing. Allele origin: unknown.
Comment: This variant is considered pathogenic. This variant creates a frameshift predicted to result in premature protein truncation.

GeneDx
Classification: Pathogenic. Last evaluated: 2023-01-11. Review status: criteria provided, single submitter. Criteria: GeneDx Variant Classification Process June 2021. Collection method: clinical testing. Allele origin: germline. Affected: yes.
Comment: Frameshift variant predicted to result in protein truncation or nonsense mediated decay in a gene for which loss of function is a known mechanism of disease; Not observed at significant frequency in large population cohorts (gnomAD); This variant is associated with the following publications: (PMID: 24525918, 15754356, 9582123, 26572829, 33097490, 20101697)

Color Diagnostics, LLC DBA Color Health
Classification: Pathogenic for Hereditary cancer-predisposing syndrome. Last evaluated: 2022-01-02. Review status: criteria provided, single submitter. Criteria: ACMG Guidelines, 2015. Collection method: clinical testing. Allele origin: germline.
Comment: This variant inserts 1 nucleotide in exon 6 of the SMAD4 gene, creating a frameshift and premature translation stop signal. This variant is expected to result in an absent or non-functional protein product. This variant has been reported in individuals affected with juvenile polyposis syndrome (JPS) and JPS with hereditary hemorrhagic telangiectasia (JPS-HHT) in the literature (PMID: 9582123, 20101697, 26572829). This variant has not been identified in the general population by the Genome Aggregation Database (gnomAD). Loss of SMAD4 function is a known mechanism of disease. Based on the available evidence, this variant is classified as Pathogenic.

OMIM
Classification: Pathogenic for JUVENILE POLYPOSIS SYNDROME. Last evaluated: 2005-04-30. Review status: no assertion criteria provided. Collection method: literature only. Allele origin: germline. Not counted in ClinVar's aggregate classification.

OMIM
Classification: Pathogenic for JUVENILE POLYPOSIS OF STOMACH. Last evaluated: 2005-04-30. Review status: no assertion criteria provided. Collection method: literature only. Allele origin: germline. Not counted in ClinVar's aggregate classification.

OMIM
Classification: Pathogenic for JUVENILE POLYPOSIS/HEREDITARY HEMORRHAGIC TELANGIECTASIA SYNDROME. Last evaluated: 2005-04-30. Review status: no assertion criteria provided. Collection method: literature only. Allele origin: germline. Not counted in ClinVar's aggregate classification.

Literature cited by the submitters: PubMed 20101697 (cited by 3 submitters); PubMed 9582123 (cited by 4 submitters); PubMed 16152648 (cited by Labcorp Genetics (formerly Invitae), Labcorp); PubMed 16436638 (cited by Labcorp Genetics (formerly Invitae), Labcorp); PubMed 22810475 (cited by Labcorp Genetics (formerly Invitae), Labcorp); PubMed 26572829 (cited by Labcorp Genetics (formerly Invitae), Labcorp and Color Diagnostics, LLC DBA Color Health); PubMed 15754356 (cited by OMIM).